The following is an entry in ClinVar:

ClinVar aggregate classification (germline): Uncertain significance (1 of 4 stars; one submission).

Conditions:
Pheochromocytoma. Also called: MAX-Related Hereditary Paraganglioma-Pheochromocytoma Syndrome. Identifiers: Orphanet 29072, MedGen C0031511, MONDO:0008233, OMIM 171300, HP:0002666.
Gastrointestinal stromal tumor. Also called: Gastrointestinal stromal tumor, somatic; Gastrointestinal stroma tumor. Identifiers: Orphanet 44890, MedGen C0238198, MeSH D046152, MONDO:0011719, OMIM 606764, HP:0100723.
Pheochromocytoma/paraganglioma syndrome 4. Also called: CAROTID BODY TUMORS AND MULTIPLE EXTRAADRENAL PHEOCHROMOCYTOMAS; PARAGANGLIOMA, FAMILIAL MALIGNANT; PARAGANGLIOMAS, HEREDITARY EXTRAADRENAL; PHEOCHROMOCYTOMA, FAMILIAL EXTRAADRENAL; Paragangliomas 4; SDHB-Related Hereditary Paraganglioma-Pheochromocytoma Syndrome (Paragangliomas 4). Identifiers: Orphanet 29072, MedGen C1861848, MONDO:0007273, OMIM 115310.

Submission:

Labcorp Genetics (formerly Invitae), Labcorp
Classification: Uncertain significance for Gastrointestinal stromal tumor; Pheochromocytoma/paraganglioma syndrome 4; Pheochromocytoma. Last evaluated: 2024-04-29. Review status: criteria provided, single submitter. Criteria: Invitae Variant Classification Sherloc (09022015). Collection method: clinical testing. Allele origin: germline.
Comment: This sequence change replaces glutamic acid, which is acidic and polar, with alanine, which is neutral and non-polar, at codon 275 of the SDHB protein (p.Glu275Ala). This variant is not present in population databases (gnomAD no frequency). This variant has not been reported in the literature in individuals affected with SDHB-related conditions. Advanced modeling of protein sequence and biophysical properties (such as structural, functional, and spatial information, amino acid conservation, physicochemical variation, residue mobility, and thermodynamic stability) performed at Invitae indicates that this missense variant is not expected to disrupt SDHB protein function with a negative predictive value of 95%. In summary, the available evidence is currently insufficient to determine the role of this variant in disease. Therefore, it has been classified as a Variant of Uncertain Significance.

NM_003000.3(SDHB):c.824A>C (p.Glu275Ala)

Gene: SDHB (succinate dehydrogenase complex iron sulfur subunit B; minus strand). Cytogenetic location: 1p36.13.
Variant type: single nucleotide variant.
Coding change: c.824A>C on transcript NM_003000.3 (MANE Select); coding-DNA position 824, A replaced by C.
Protein change: p.Glu275Ala; replaces glutamic acid 275 with alanine.
Molecular consequence: missense variant.
Genome position (GRCh38, 1-based): chr1:17,018,900, T>G on the plus strand (A>C on the coding strand, the complement: SDHB is on the minus strand). VCF-style: chr1-17018900-T-G. GRCh37 (hg19) VCF-style: chr1-17345395-T-G.
Other names: c.770A>C, p.Glu257Ala (NM_001407361.1); short protein forms E257A, E275A.
Identifiers: ClinVar variation 2941695 (VCV002941695.3), dbSNP rs2524994829, ClinGen allele CA338268767.